The following is an entry in ClinVar:

NM_004006.3(DMD):c.693C>T (p.Tyr231=)

Gene: DMD (dystrophin; minus strand). Cytogenetic location: Xp21.1.
Variant type: single nucleotide variant.
Coding change: c.693C>T on transcript NM_004006.3 (MANE Select); coding-DNA position 693, C replaced by T.
Protein change: p.Tyr231=; no amino-acid change (tyrosine 231 retained).
Molecular consequence: synonymous variant.
Genome position (GRCh38, 1-based): chrX:32,699,250, G>A on the plus strand (C>T on the coding strand, the complement: DMD is on the minus strand). VCF-style: chrX-32699250-G-A. GRCh37 (hg19) VCF-style: chrX-32717367-G-A.
Other names: c.693C>T (NM_004006.2); c.669C>T, p.Tyr223= (NM_000109.4); c.681C>T, p.Tyr227= (NM_004009.3); c.324C>T, p.Tyr108= (NM_004010.3).
Identifiers: ClinVar variation 501864 (VCV000501864.16), dbSNP rs374222301, ClinGen allele CA10380086.
Genomic context (GRCh38, chrX:32,699,250, plus strand): 5'-CACTTCCTGGATGGCTTCAATGCTCACTTGTTGAGGCAAAACTTGGAAGAGTGATGTGAT[G>A]TACATTAAGATGGACTTCTTATCTGGATAGGTGGTATCAACATCTGTAAGCACATTAACA-3'
Protein context (NP_003997.2, residues 221-241): TYPDKKSILM[Tyr231=]ITSLFQVLPQ

ClinVar aggregate classification (germline): Conflicting classifications of pathogenicity. Review status: criteria provided, conflicting classifications (1 of 4 stars). 4 submissions from 4 submitters: Uncertain significance (1); Likely benign (3). Last evaluated 2026-01-14.

Conditions:
Duchenne muscular dystrophy (DMD). Also called: MUSCULAR DYSTROPHY, PSEUDOHYPERTROPHIC PROGRESSIVE, DUCHENNE TYPE; Duchenne Muscular Dystrophy (DMD). Identifiers: Orphanet 98896, MedGen C0013264, MONDO:0010679, OMIM 310200.
Cardiovascular phenotype. Identifiers: MedGen CN230736.

Allele frequency attached by ClinVar (database versions not stated): ExAC 0.00001; gnomAD exomes 0.00001; TOPMed 0.00001; gnomAD 0.00002; ESP Exome Variant Server 0.00009.
gnomAD v4.1: 11 of 1,207,313 alleles (0.00091%); highest among the groups gnomAD compares: Non-Finnish European, 0.0012%; no homozygotes.

Submissions (4):

Labcorp Genetics (formerly Invitae), Labcorp
Classification: Likely benign for Duchenne muscular dystrophy. Last evaluated: 2026-01-14. Review status: criteria provided, single submitter. Criteria: Invitae Variant Classification Sherloc (09022015). Collection method: clinical testing. Allele origin: germline.

Ambry Genetics
Classification: Likely benign for Cardiovascular phenotype. Last evaluated: 2025-06-28. Review status: criteria provided, single submitter. Criteria: Ambry Variant Classification Scheme 2023. Collection method: clinical testing. Allele origin: germline.

Molecular Diagnostic Laboratory for Inherited Cardiovascular Disease, Montreal Heart Institute
Classification: Likely benign. Last evaluated: 2025-04-09. Review status: criteria provided, single submitter. Criteria: ACMG Guidelines, 2015. Collection method: clinical testing. Allele origin: germline. Affected: no.
Comment: BP7

Eurofins Ntd Llc (ga)
Classification: Uncertain significance. Last evaluated: 2017-05-12. Review status: criteria provided, single submitter. Criteria: EGL Classification Definitions 2015. Collection method: clinical testing. Allele origin: germline. Observed: 1 variant allele, 1 hemizygote.